The following is an entry in ClinVar:

NM_017617.5(NOTCH1):c.7177C>G (p.Gln2393Glu)

Gene: NOTCH1 (notch receptor 1; minus strand). Cytogenetic location: 9q34.3.
Variant type: single nucleotide variant.
Coding change: c.7177C>G on transcript NM_017617.5 (MANE Select); coding-DNA position 7177, C replaced by G.
Protein change: p.Gln2393Glu; replaces glutamine 2393 with glutamic acid.
Molecular consequence: missense variant.
Genome position (GRCh38, 1-based): chr9:136,496,562, G>C on the plus strand (C>G on the coding strand, the complement: NOTCH1 is on the minus strand). VCF-style: chr9-136496562-G-C. GRCh37 (hg19) VCF-style: chr9-139391014-G-C.
Other names: c.7177C>G (NM_017617.3); short protein forms Q2393E.
Identifiers: ClinVar variation 1985632 (VCV001985632.5), dbSNP rs779613930, ClinGen allele CA201632880.

ClinVar aggregate classification (germline): Uncertain significance. Review status: criteria provided, multiple submitters, no conflicts (2 of 4 stars). 2 submissions from 2 submitters: Uncertain significance (2). Last evaluated 2025-06-20.

Conditions:
Adams-Oliver syndrome 5 (AOS5). Identifiers: Orphanet 974, MedGen C4014970, MONDO:0014459, OMIM 616028.
Familial thoracic aortic aneurysm and aortic dissection (TAAD). Also called: Thoracic aortic aneurysms and dissections. Identifiers: Orphanet 91387, MedGen C4707243, MONDO:0019625.

Allele frequency attached by ClinVar (database versions not stated): TOPMed below 0.00001.
gnomAD v4.1: 3 of 1,611,378 alleles (0.00019%); highest among the groups gnomAD compares: Non-Finnish European, 0.00025%; no homozygotes.

Submissions (2):

Ambry Genetics
Classification: Uncertain significance for Familial thoracic aortic aneurysm and aortic dissection. Last evaluated: 2025-06-20. Review status: criteria provided, single submitter. Criteria: Ambry Variant Classification Scheme 2023. Collection method: clinical testing. Allele origin: germline.
Comment: The p.Q2393E variant (also known as c.7177C>G), located in coding exon 34 of the NOTCH1 gene, results from a C to G substitution at nucleotide position 7177. The glutamine at codon 2393 is replaced by glutamic acid, an amino acid with highly similar properties. This amino acid position is conserved. In addition, this alteration is predicted to be tolerated by in silico analysis. Based on the available evidence, the clinical significance of this variant remains unclear.

Labcorp Genetics (formerly Invitae), Labcorp
Classification: Uncertain significance for Adams-Oliver syndrome 5. Last evaluated: 2022-08-10. Review status: criteria provided, single submitter. Criteria: Invitae Variant Classification Sherloc (09022015). Collection method: clinical testing. Allele origin: germline.
Comment: Advanced modeling of protein sequence and biophysical properties (such as structural, functional, and spatial information, amino acid conservation, physicochemical variation, residue mobility, and thermodynamic stability) performed at Invitae indicates that this missense variant is not expected to disrupt NOTCH1 protein function. This variant has not been reported in the literature in individuals affected with NOTCH1-related conditions. This variant is not present in population databases (gnomAD no frequency). This sequence change replaces glutamine, which is neutral and polar, with glutamic acid, which is acidic and polar, at codon 2393 of the NOTCH1 protein (p.Gln2393Glu). In summary, the available evidence is currently insufficient to determine the role of this variant in disease. Therefore, it has been classified as a Variant of Uncertain Significance.